The following is an entry in ClinVar:

NM_000222.3(KIT):c.2258C>T (p.Thr753Ile)

Gene: KIT (KIT proto-oncogene, receptor tyrosine kinase; plus strand). Cytogenetic location: 4q12.
Variant type: single nucleotide variant.
Coding change: c.2258C>T on transcript NM_000222.3 (MANE Select); coding-DNA position 2258, C replaced by T.
Protein change: p.Thr753Ile; replaces threonine 753 with isoleucine.
Molecular consequence: missense variant.
Genome position (GRCh38, 1-based): chr4:54,731,895, C>T. VCF-style: chr4-54731895-C-T. GRCh37 (hg19) VCF-style: chr4-55598061-C-T.
Other names: c.2246C>T, p.Thr749Ile (NM_001093772.2, NM_001385292.1); c.2261C>T, p.Thr754Ile (NM_001385284.1); c.2255C>T, p.Thr752Ile (NM_001385285.1); c.2243C>T, p.Thr748Ile (NM_001385286.1); c.2249C>T, p.Thr750Ile (NM_001385288.1); c.2258C>T, p.Thr753Ile (NM_001385290.1); short protein forms T748I, T749I, T750I, T752I, T753I, T754I.
Identifiers: ClinVar variation 1005154 (VCV001005154.13), dbSNP rs1722621198, ClinGen allele CA356910866.

ClinVar aggregate classification (germline): Uncertain significance. Review status: criteria provided, multiple submitters, no conflicts (2 of 4 stars). 3 submissions from 3 submitters: Uncertain significance (3). Last evaluated 2025-01-11.

Conditions:
Hereditary cancer-predisposing syndrome. Also called: Neoplastic Syndromes, Hereditary; Hereditary Cancer Syndrome; Hereditary neoplastic syndrome; Tumor predisposition. Identifiers: Orphanet 140162, MedGen C0027672, MeSH D009386, MONDO:0015356.
Gastrointestinal stromal tumor. Also called: Gastrointestinal stromal tumor, somatic; Gastrointestinal stroma tumor. Identifiers: Orphanet 44890, MedGen C0238198, MeSH D046152, MONDO:0011719, OMIM 606764, HP:0100723.

Allele frequency attached by ClinVar (database versions not stated): gnomAD exomes below 0.00001; TOPMed below 0.00001.
gnomAD v4.1: 1 of 1,613,522 alleles (0.000062%); highest among the groups gnomAD compares: African/African-American, 0.0013%; no homozygotes.

Submissions (3):

Labcorp Genetics (formerly Invitae), Labcorp
Classification: Uncertain significance for Gastrointestinal stromal tumor. Last evaluated: 2025-01-11. Review status: criteria provided, single submitter. Criteria: Invitae Variant Classification Sherloc (09022015). Collection method: clinical testing. Allele origin: germline.
Comment: This sequence change replaces threonine, which is neutral and polar, with isoleucine, which is neutral and non-polar, at codon 753 of the KIT protein (p.Thr753Ile). This variant is not present in population databases (gnomAD no frequency). This variant has not been reported in the literature in individuals affected with KIT-related conditions. ClinVar contains an entry for this variant (Variation ID: 1005154). An algorithm developed to predict the effect of missense changes on protein structure and function (PolyPhen-2) suggests that this variant is likely to be disruptive. In summary, the available evidence is currently insufficient to determine the role of this variant in disease. Therefore, it has been classified as a Variant of Uncertain Significance.

Baylor Genetics
Classification: Uncertain significance for Gastrointestinal stromal tumor. Last evaluated: 2024-03-03. Review status: criteria provided, single submitter. Criteria: ACMG Guidelines, 2015. Collection method: clinical testing. Allele origin: unknown.

Ambry Genetics
Classification: Uncertain significance for Hereditary cancer-predisposing syndrome. Last evaluated: 2023-08-25. Review status: criteria provided, single submitter. Criteria: Ambry Variant Classification Scheme 2023. Collection method: clinical testing. Allele origin: germline.
Comment: The p.T753I variant (also known as c.2258C>T), located in coding exon 16 of the KIT gene, results from a C to T substitution at nucleotide position 2258. The threonine at codon 753 is replaced by isoleucine, an amino acid with similar properties. This amino acid position is conserved. In addition, this alteration is predicted to be tolerated by in silico analysis. Since supporting evidence is limited at this time, the clinical significance of this alteration remains unclear.